The following is an entry in ClinVar:

NM_001083619.3(GRIA2):c.1523A>T (p.Glu508Val)

Gene: GRIA2 (glutamate ionotropic receptor AMPA type subunit 2; plus strand). Cytogenetic location: 4q32.1.
Variant type: single nucleotide variant.
Coding change: c.1523A>T on transcript NM_001083619.3 (MANE Select); coding-DNA position 1523, A replaced by T.
Protein change: p.Glu508Val; replaces glutamic acid 508 with valine.
Molecular consequence: missense variant.
Genome position (GRCh38, 1-based): chr4:157,336,426, A>T. VCF-style: chr4-157336426-A-T. GRCh37 (hg19) VCF-style: chr4-158257578-A-T.
Other names: c.1523A>T, p.Glu508Val (NM_000826.6); c.1523A>T (NM_001083619.1); c.1382A>T, p.Glu461Val (NM_001083620.3, NM_001379000.3, NM_001379001.3); short protein forms E461V, E508V.
Identifiers: ClinVar variation 2500999 (VCV002500999.5), dbSNP rs2530753809, ClinGen allele CA358647972.

ClinVar aggregate classification (germline): Conflicting classifications of pathogenicity. Review status: criteria provided, conflicting classifications (1 of 4 stars). 3 submissions from 3 submitters: Likely pathogenic (2); Uncertain significance (1). Last evaluated 2026-05-06.

Conditions:
Inborn genetic diseases. Identifiers: MedGen C0950123, MeSH D030342.
Neurodevelopmental disorder with language impairment and behavioral abnormalities. Also called: GRIA2-related neurodevelopmental disorder. Identifiers: MedGen C5394502, MONDO:0030060, OMIM 618917.

Submissions (3):

GeneDx
Classification: Likely pathogenic. Last evaluated: 2026-05-06. Review status: criteria provided, single submitter. Criteria: GeneDx Variant Classification Process June 2021. Collection method: clinical testing. Allele origin: germline.
Comment: Observed in an individual with epilepsy/seizures in published literature (PMID: 37921875); Published functional studies suggest this variant may be associated with increased glutamate and decreased kainate potencies and decreased cell surface expression (PMID: 37921875); In silico analysis supports that this missense variant has a deleterious effect on protein structure/function; Not observed at significant frequency in large population cohorts (gnomAD); This variant is associated with the following publications: (PMID: 37921875)

Ambry Genetics
Classification: Likely pathogenic for Inborn genetic diseases. Last evaluated: 2025-12-23. Review status: criteria provided, single submitter. Criteria: Ambry Variant Classification Scheme 2023. Collection method: clinical testing. Allele origin: germline.
Comment: The c.1523A>T (p.E508V) alteration is located in exon 11 (coding exon 11) of the GRIA2 gene. This alteration results from a A to T substitution at nucleotide position 1523, causing the glutamic acid (E) at amino acid position 508 to be replaced by a valine (V). This variant was not reported in population-based cohorts in the Genome Aggregation Database (gnomAD). This variant was reported in individual(s) with features consistent with GRIA2-related neurodevelopmental disorder; in at least one individual, it was determined to be de novo (external communication). This amino acid position is highly conserved in available vertebrate species. This missense alteration is located in a region that has a low rate of benign missense variation (Lek, 2016; Firth, 2009). The in silico prediction for this alteration is inconclusive. Based on the available evidence, this alteration is classified as likely pathogenic.

Institute of Human Genetics, University of Leipzig Medical Center
Classification: Uncertain significance for Neurodevelopmental disorder with language impairment and behavioral abnormalities. Last evaluated: 2023-05-05. Review status: criteria provided, single submitter. Criteria: ACMG Guidelines, 2015. Collection method: research. Allele origin: unknown. Affected: yes.